The following is an entry in ClinVar:

ClinVar aggregate classification (germline): Uncertain significance. Review status: criteria provided, multiple submitters, no conflicts (2 of 4 stars). 2 submissions from 2 submitters: Uncertain significance (2). Last evaluated 2025-12-03.

Conditions:
Inborn genetic diseases. Identifiers: MedGen C0950123, MeSH D030342.

Allele frequency attached by ClinVar (database versions not stated): TOPMed 0.00001; ExAC 0.00002.
gnomAD v4.1: 12 of 1,613,492 alleles (0.00074%); highest among the groups gnomAD compares: Admixed American, 0.0083%; no homozygotes.

Submissions (2):

Ambry Genetics
Classification: Uncertain significance for Inborn genetic diseases. Last evaluated: 2025-12-03. Review status: criteria provided, single submitter. Criteria: Ambry Variant Classification Scheme 2023. Collection method: clinical testing. Allele origin: germline.

Labcorp Genetics (formerly Invitae), Labcorp
Classification: Uncertain significance. Last evaluated: 2023-10-13. Review status: criteria provided, single submitter. Criteria: Invitae Variant Classification Sherloc (09022015). Collection method: clinical testing. Allele origin: germline.
Comment: This sequence change replaces glutamic acid, which is acidic and polar, with glutamine, which is neutral and polar, at codon 393 of the C6 protein (p.Glu393Gln). This variant is present in population databases (rs764543477, gnomAD 0.01%). This variant has not been reported in the literature in individuals affected with C6-related conditions. ClinVar contains an entry for this variant (Variation ID: 1366505). Algorithms developed to predict the effect of missense changes on protein structure and function output the following: SIFT: "Not Available"; PolyPhen-2: "Benign"; Align-GVGD: "Not Available". The glutamine amino acid residue is found in multiple mammalian species, which suggests that this missense change does not adversely affect protein function. In summary, the available evidence is currently insufficient to determine the role of this variant in disease. Therefore, it has been classified as a Variant of Uncertain Significance.

NM_000065.5(C6):c.1177G>C (p.Glu393Gln)

Gene: C6 (complement C6; minus strand). Cytogenetic location: 5p13.1.
Variant type: single nucleotide variant.
Coding change: c.1177G>C on transcript NM_000065.5 (MANE Select); coding-DNA position 1177, G replaced by C.
Protein change: p.Glu393Gln; replaces glutamic acid 393 with glutamine.
Molecular consequence: missense variant.
Genome position (GRCh38, 1-based): chr5:41,172,339, C>G on the plus strand (G>C on the coding strand, the complement: C6 is on the minus strand). VCF-style: chr5-41172339-C-G. GRCh37 (hg19) VCF-style: chr5-41172441-C-G.
Other names: c.1177G>C, p.Glu393Gln (NM_001115131.4); c.1177G>C (NM_000065.2); short protein forms E393Q.
Identifiers: ClinVar variation 1366505 (VCV001366505.7), dbSNP rs764543477, ClinGen allele CA3252535.